The following is an entry in ClinVar:

ClinVar aggregate classification (germline): Uncertain significance. Review status: criteria provided, multiple submitters, no conflicts (2 of 4 stars). 2 submissions from 2 submitters: Uncertain significance (2). Last evaluated 2026-01-26.

Conditions:
Inborn genetic diseases. Identifiers: MedGen C0950123, MeSH D030342.

Allele frequency attached by ClinVar (database versions not stated): ESP Exome Variant Server 0.00008.
gnomAD v4.1: 135 of 1,613,802 alleles (0.0084%); highest among the groups gnomAD compares: Non-Finnish European, 0.011%; no homozygotes.

Submissions (2):

Labcorp Genetics (formerly Invitae), Labcorp
Classification: Uncertain significance. Last evaluated: 2026-01-26. Review status: criteria provided, single submitter. Criteria: Invitae Variant Classification Sherloc (09022015). Collection method: clinical testing. Allele origin: germline.
Comment: This sequence change replaces threonine, which is neutral and polar, with alanine, which is neutral and non-polar, at codon 207 of the CDH2 protein (p.Thr207Ala). This variant is present in population databases (rs150141832, gnomAD 0.008%). This variant has not been reported in the literature in individuals affected with CDH2-related conditions. ClinVar contains an entry for this variant (Variation ID: 1393349). An algorithm developed to predict the effect of missense changes on protein structure and function (PolyPhen-2) suggests that this variant is likely to be tolerated. In summary, the available evidence is currently insufficient to determine the role of this variant in disease. Therefore, it has been classified as a Variant of Uncertain Significance.

Ambry Genetics
Classification: Uncertain significance for Inborn genetic diseases. Last evaluated: 2022-12-02. Review status: criteria provided, single submitter. Criteria: Ambry Variant Classification Scheme 2023. Collection method: clinical testing. Allele origin: germline.

NM_001792.5(CDH2):c.619A>G (p.Thr207Ala)

Gene: CDH2 (cadherin 2; minus strand). Cytogenetic location: 18q12.1.
Variant type: single nucleotide variant.
Coding change: c.619A>G on transcript NM_001792.5 (MANE Select); coding-DNA position 619, A replaced by G.
Protein change: p.Thr207Ala; replaces threonine 207 with alanine.
Molecular consequence: missense variant.
Genome position (GRCh38, 1-based): chr18:28,009,800, T>C on the plus strand (A>G on the coding strand, the complement: CDH2 is on the minus strand). VCF-style: chr18-28009800-T-C. GRCh37 (hg19) VCF-style: chr18-25589764-T-C.
Other names: c.526A>G, p.Thr176Ala (NM_001308176.2); short protein forms T176A, T207A.
Identifiers: ClinVar variation 1393349 (VCV001393349.8), dbSNP rs150141832, ClinGen allele CA8923642.
Genomic context (GRCh38, chr18:28,009,800, plus strand): 5'-GATCCAGGGGCTTTGTCACCGACAGCTGACCCGAGATGGGGTTGATAATGAAGATACCAG[T>C]TGGAGGCTGGTCAGCTCCTGGCCCAGTTACACTGTACCGCAGTGAAAGGTTTTTATCTCT-3'
Protein context (NP_001783.2, residues 197-217): VTGPGADQPP[Thr207Ala]GIFIINPISG